The following is an entry in ClinVar:

ClinVar aggregate classification (germline): Uncertain significance (1 of 4 stars; one submission).

Conditions:
Inborn genetic diseases. Identifiers: MedGen C0950123, MeSH D030342.

Submission:

Ambry Genetics
Classification: Uncertain significance for Inborn genetic diseases. Last evaluated: 2025-04-12. Review status: criteria provided, single submitter. Criteria: Ambry Variant Classification Scheme 2023. Collection method: clinical testing. Allele origin: germline.
Comment: The p.H39Y variant (also known as c.115C>T), located in coding exon 2 of the ELANE gene, results from a C to T substitution at nucleotide position 115. The histidine at codon 39 is replaced by tyrosine, an amino acid with similar properties. This amino acid position is conserved. In addition, the in silico prediction for this alteration is inconclusive. Based on the available evidence, the clinical significance of this variant remains unclear.

NM_001972.4(ELANE):c.115C>T (p.His39Tyr)

Gene: ELANE (elastase, neutrophil expressed; plus strand). Cytogenetic location: 19p13.3.
Variant type: single nucleotide variant.
Coding change: c.115C>T on transcript NM_001972.4 (MANE Select); coding-DNA position 115, C replaced by T.
Protein change: p.His39Tyr; replaces histidine 39 with tyrosine.
Molecular consequence: missense variant.
Genome position (GRCh38, 1-based): chr19:852,923, C>T. VCF-style: chr19-852923-C-T. GRCh37 (hg19) VCF-style: chr19-852923-C-T.
Other names: short protein forms H39Y.
Identifiers: ClinVar variation 4017377 (VCV004017377.1).
Genomic context (GRCh38, chr19:852,923, plus strand): 5'-GGTGTGTCCCCAGGCACCGCGCTGGCCTCGGAGATTGTGGGGGGCCGGCGAGCGCGGCCC[C>T]ACGCGTGGCCCTTCATGGTGTCCCTGCAGCTGCGCGGAGGCCACTTCTGCGGCGCCACCC-3'
Protein context (NP_001963.1, residues 29-49): EIVGGRRARP[His39Tyr]AWPFMVSLQL